The following is an entry in ClinVar:

ClinVar aggregate classification (germline): Pathogenic/Likely pathogenic. Review status: criteria provided, multiple submitters, no conflicts (2 of 4 stars). 2 submissions from 2 submitters: Pathogenic (1); Likely pathogenic (1). Last evaluated 2022-05-17.

Conditions:
Familial focal epilepsy with variable foci (FPEVF). Identifiers: Orphanet 98820, MedGen C1858477, MONDO:0020310.
DEPDC5-related disorder. Also called: DEPDC5-related condition; DEPDC5-related related disorder.

Submissions (2):

Labcorp Genetics (formerly Invitae), Labcorp
Classification: Pathogenic for Familial focal epilepsy with variable foci. Last evaluated: 2022-05-17. Review status: criteria provided, single submitter. Criteria: Invitae Variant Classification Sherloc (09022015). Collection method: clinical testing. Allele origin: germline.
Comment: This variant has not been reported in the literature in individuals affected with DEPDC5-related conditions. This sequence change creates a premature translational stop signal (p.Ser386Valfs*18) in the DEPDC5 gene. It is expected to result in an absent or disrupted protein product. Loss-of-function variants in DEPDC5 are known to be pathogenic (PMID: 23542697, 23542701). This variant is not present in population databases (gnomAD no frequency). For these reasons, this variant has been classified as Pathogenic.

Blueprint Genetics
Classification: Likely pathogenic for DEPDC5-related disorders. Last evaluated: 2022-02-01. Review status: criteria provided, single submitter. Criteria: ACMG Guidelines, 2015. Collection method: clinical testing. Allele origin: germline. Affected: yes. Observed: 2 variant alleles.

Literature cited by the submitters: PubMed 23542697 (cited by Labcorp Genetics (formerly Invitae), Labcorp); PubMed 23542701 (cited by Labcorp Genetics (formerly Invitae), Labcorp).

NM_001242896.3(DEPDC5):c.1155del (p.Ser386fs)

Gene: DEPDC5 (DEP domain containing 5, GATOR1 subcomplex subunit; plus strand). Cytogenetic location: 22q12.3.
Variant type: Deletion.
Coding change: c.1155del on transcript NM_001242896.3 (MANE Select); coding-DNA position 1155, one base deleted (G; older notation c.1155delG).
Protein change: p.Ser386fs; shifts the reading frame from serine 386.
Molecular consequence: frameshift variant. On other transcripts: non-coding transcript variant (5).
Genome position (GRCh38, 1-based): chr22:31,804,853, G deleted; the last of 2 consecutive G bases (chr22:31,804,852-31,804,853); deleting either gives the same sequence. VCF-style (leftmost placement, unchanged base first): chr22-31804851-CG-C. GRCh37 (hg19) VCF-style: chr22-32200837-CG-C.
Other names: c.1155del, p.Ser386fs (NM_001007188.4, NM_001136029.4, NM_001242897.2 and 7 more transcripts); c.1071del, p.Ser358fs (NM_001369901.1, NM_001369902.1); short protein forms S386fs, S358fs.
Identifiers: ClinVar variation 1995664 (VCV001995664.5), dbSNP rs2518936830, ClinGen allele CA2580099650.
Genomic context (GRCh38, chr22:31,804,851, plus strand): 5'-AAAACCTACTTGTTCTGTAGCTTATCTGTGCTCTCATTTTTCTCCTTGCAGCTCCATAAT[CG>C]GAGTGCTCCCCGTGATTCTCGTCTGGGCGATGACTATAATATCCCTCACTGGATAAACCA-3'